The following is an entry in ClinVar:

NM_031220.4(PITPNM3):c.940A>G (p.Ser314Gly)

Gene: PITPNM3 (PITPNM family member 3; minus strand). Cytogenetic location: 17p13.2.
Variant type: single nucleotide variant.
Coding change: c.940A>G on transcript NM_031220.4 (MANE Select); coding-DNA position 940, A replaced by G.
Protein change: p.Ser314Gly; replaces serine 314 with glycine.
Molecular consequence: missense variant.
Genome position (GRCh38, 1-based): chr17:6,477,174, T>C on the plus strand (A>G on the coding strand, the complement: PITPNM3 is on the minus strand). VCF-style: chr17-6477174-T-C. GRCh37 (hg19) VCF-style: chr17-6380494-T-C.
Other names: c.832A>G, p.Ser278Gly (NM_001165966.2); short protein forms S278G, S314G.
Identifiers: ClinVar variation 3365510 (VCV003365510.1).

ClinVar aggregate classification (germline): Uncertain significance (1 of 4 stars; one submission).

Submission:

GeneDx
Classification: Uncertain significance. Last evaluated: 2023-12-20. Review status: criteria provided, single submitter. Criteria: GeneDx Variant Classification Process June 2021. Collection method: clinical testing. Allele origin: germline. Affected: yes.
Comment: Not observed at significant frequency in large population cohorts (gnomAD); In silico analysis supports that this missense variant does not alter protein structure/function; Has not been previously published as pathogenic or benign to our knowledge